The following is an entry in ClinVar:

ClinVar aggregate classification (germline): Uncertain significance (1 of 4 stars; one submission).

Conditions:
Cardiomyopathy (CMYO). Also called: Cardiomyopathies. Identifiers: Orphanet 167848, MedGen C0878544, MONDO:0004994, HP:0001638. Inheritance: Various modes of inheritance.

Allele frequency attached by ClinVar (database versions not stated): gnomAD 0.00001; ESP Exome Variant Server 0.00008; TOPMed 0.00002.
gnomAD v4.1: 1 of 1,613,972 alleles (0.000062%); highest among the groups gnomAD compares: African/African-American, 0.0013%; no homozygotes.

Submission:

Color Diagnostics, LLC DBA Color Health
Classification: Uncertain significance for Cardiomyopathy. Last evaluated: 2019-07-29. Review status: criteria provided, single submitter. Criteria: ACMG Guidelines, 2015. Collection method: clinical testing. Allele origin: germline.
Comment: This variant is located in the 3' untranslated region of the TPM1 gene. To our knowledge, functional assays have not been performed for this variant nor has this variant been reported in individuals affected with cardiovascular disorders in the literature. This variant has not been identified in the general population by the Genome Aggregation Database (gnomAD). Available evidence is insufficient to determine the role of this variant in disease conclusively. Therefore, this variant is classified as a Variant of Uncertain Significance.

NC_000015.10:g.63071118C>T

Gene: TPM1 (tropomyosin 1; plus strand). Cytogenetic location: 15q22.2.
Variant type: single nucleotide variant.
Molecular consequence: synonymous variant (on NM_001018004.2). On other transcripts: 3 prime UTR variant (6), missense variant (1), non-coding transcript variant (12).
Genome position: GRCh38 VCF-style: chr15-63071118-C-T. GRCh37 (hg19) VCF-style: chr15-63363317-C-T.
Other names: c.801C>T, p.Asn267= (NM_001018004.2, NM_001018006.2, NM_001018007.2 and 1 more transcripts); c.*1175C>T (NM_001018008.2, NM_001330351.2, NM_001365776.1 and 3 more transcripts); c.693C>T, p.Asn231= (NM_001301289.2, NM_001330344.2); c.927C>T, p.Asn309= (NM_001365778.1); c.880C>T, p.Pro294Ser (NM_001407326.1); short protein forms P294S.
Identifiers: ClinVar variation 919050 (VCV000919050.4), dbSNP rs146470352, ClinGen allele CA272040789.
Genomic context (GRCh38, chr15:63,071,118, plus strand): 5'-ATTCATGACTTAATTTTCTAATCTCACCACAGAGAAAGTGGCTCATGCCAAAGAAGAAAA[C>T]CTTAGTATGCATCAGATGCTGGATCAGACTTTACTGGAGTTAAACAACATGTGAAAACCT-3'